The following is an entry in ClinVar:

NM_198506.5(LRIT3):c.1737del (p.Gln580fs)

Gene: LRIT3 (leucine rich repeat, Ig-like and transmembrane domains 3; plus strand). Cytogenetic location: 4q25.
Variant type: Deletion.
Coding change: c.1737del on transcript NM_198506.5 (MANE Select); coding-DNA position 1737, one base deleted (T; older notation c.1737delT).
Protein change: p.Gln580fs; shifts the reading frame from glutamine 580.
Molecular consequence: frameshift variant.
Genome position (GRCh38, 1-based): chr4:109,870,486, T deleted. VCF-style (leftmost placement, unchanged base first): chr4-109870485-CT-C. GRCh37 (hg19) VCF-style: chr4-110791641-CT-C.
Other names: short protein forms Q580fs.
Identifiers: ClinVar variation 2021962 (VCV002021962.4), dbSNP rs2545590340, ClinGen allele CA2578168332.

ClinVar aggregate classification (germline): Uncertain significance (1 of 4 stars; one submission).

Submission:

Labcorp Genetics (formerly Invitae), Labcorp
Classification: Uncertain significance. Last evaluated: 2022-08-21. Review status: criteria provided, single submitter. Criteria: Invitae Variant Classification Sherloc (09022015). Collection method: clinical testing. Allele origin: germline.
Comment: This sequence change creates a premature translational stop signal (p.Gln580Asnfs*8) in the LRIT3 gene. While this is not anticipated to result in nonsense mediated decay, it is expected to disrupt the last 100 amino acid(s) of the LRIT3 protein. This variant is not present in population databases (gnomAD no frequency). This variant has not been reported in the literature in individuals affected with LRIT3-related conditions. Experimental studies and prediction algorithms are not available or were not evaluated, and the functional significance of this variant is currently unknown. In summary, the available evidence is currently insufficient to determine the role of this variant in disease. Therefore, it has been classified as a Variant of Uncertain Significance.